The following is an entry in ClinVar:

NM_020964.3(EPG5):c.3886C>G (p.His1296Asp)

Gene: EPG5 (ectopic P-granules 5 autophagy tethering factor; minus strand). Cytogenetic location: 18q21.1.
Variant type: single nucleotide variant.
Coding change: c.3886C>G on transcript NM_020964.3 (MANE Select); coding-DNA position 3886, C replaced by G.
Protein change: p.His1296Asp; replaces histidine 1296 with aspartic acid.
Molecular consequence: missense variant.
Genome position (GRCh38, 1-based): chr18:45,912,387, G>C on the plus strand (C>G on the coding strand, the complement: EPG5 is on the minus strand). VCF-style: chr18-45912387-G-C. GRCh37 (hg19) VCF-style: chr18-43492352-G-C.
Other names: c.3886C>G, p.His1296Asp (NM_001410858.1, NM_001410859.1); short protein forms H1296D.
Identifiers: ClinVar variation 2892668 (VCV002892668.3), dbSNP rs757564770, ClinGen allele CA8949034.

ClinVar aggregate classification (germline): Uncertain significance (1 of 4 stars; one submission).

Conditions:
Vici syndrome (VICIS). Identifiers: Orphanet 1493, MedGen C1855772, MONDO:0009452, OMIM 242840.

Allele frequency attached by ClinVar (database versions not stated): TOPMed below 0.00001; ExAC 0.00001; gnomAD exomes 0.00001.
gnomAD v4.1: 3 of 1,611,454 alleles (0.00019%); highest among the groups gnomAD compares: South Asian, 0.0033%; no homozygotes.

Submission:

Labcorp Genetics (formerly Invitae), Labcorp
Classification: Uncertain significance for Vici syndrome. Last evaluated: 2023-09-19. Review status: criteria provided, single submitter. Criteria: Invitae Variant Classification Sherloc (09022015). Collection method: clinical testing. Allele origin: germline.
Comment: In summary, the available evidence is currently insufficient to determine the role of this variant in disease. Therefore, it has been classified as a Variant of Uncertain Significance. Advanced modeling of protein sequence and biophysical properties (such as structural, functional, and spatial information, amino acid conservation, physicochemical variation, residue mobility, and thermodynamic stability) has been performed at Invitae for this missense variant, however the output from this modeling did not meet the statistical confidence thresholds required to predict the impact of this variant on EPG5 protein function. This variant has not been reported in the literature in individuals affected with EPG5-related conditions. This variant is present in population databases (rs757564770, gnomAD 0.007%). This sequence change replaces histidine, which is basic and polar, with aspartic acid, which is acidic and polar, at codon 1296 of the EPG5 protein (p.His1296Asp).